The following is an entry in ClinVar:

ClinVar aggregate classification (germline): Pathogenic (0 of 4 stars; one submission).

Submission:

Leiden Open Variation Database
Classification: Pathogenic. Last evaluated: 2021-04-06. Review status: no assertion criteria provided. Collection method: curation. Allele origin: germline. Affected: yes.
Comment: Curator: Global Variome, with Curator vacancy. Submitter to LOVD: Manon Peeters.

Literature cited by the submitters: PubMed 17504850.

NM_000322.5(PRPH2):c.610_623del (p.Tyr204fs)

Gene: PRPH2 (peripherin 2; minus strand). Cytogenetic location: 6p21.1.
Variant type: Deletion.
Coding change: c.610_623del on transcript NM_000322.5 (MANE Select); coding-DNA positions 610 to 623, 14 bases deleted (TACCTGGTGGACGG).
Protein change: p.Tyr204fs; shifts the reading frame from tyrosine 204.
Molecular consequence: frameshift variant.
Genome position (GRCh38, 1-based): chr6:42,704,570-42,704,583, CCGTCCACCAGGTA deleted on the plus strand (TACCTGGTGGACGG on the coding strand, the reverse complement: PRPH2 is on the minus strand); deleting any 14 consecutive bases within chr6:42,704,570-42,704,586 gives the same sequence; the c. name uses the placement nearest the transcript's 3' end. VCF-style (leftmost placement, unchanged base first): chr6-42704569-GCCGTCCACCAGGTA-G. GRCh37 (hg19) VCF-style: chr6-42672307-GCCGTCCACCAGGTA-G.
Other names: short protein forms Y204fs.
Identifiers: ClinVar variation 1175221 (VCV001175221.1), dbSNP rs2152005372, ClinGen allele CA2499218280.